The following is an entry in ClinVar:

ClinVar aggregate classification (germline): Pathogenic/Likely pathogenic. Review status: criteria provided, multiple submitters, no conflicts (2 of 4 stars). 9 submissions from 9 submitters: Pathogenic (6); Likely pathogenic (2). 1 of the submissions does not count toward it. Last evaluated 2026-02-02.

Conditions:
Early-infantile DEE. Also called: Ohtahara syndrome; Early infantile epileptic encephalopathy; Early infantile epileptic encephalopathy with suppression bursts. Identifiers: Orphanet 1934, MedGen C0393706, MONDO:0800491.
KCNQ2-Related Disorders. Also called: KCNQ2-related condition; KCNQ2-related disorder. Identifiers: MedGen CN169299.
Seizures, benign familial neonatal, 1. Also called: Benign Neonatal Epilepsy 1; KCNQ2-Related Benign Familial Neonatal Epilepsy; KCNQ2-Related Self-Limited Familial Neonatal Epilepsy (SLFNE); Seizures, benign neonatal, 1. Identifiers: Orphanet 1949, MedGen C3149074, MONDO:0007365, OMIM 121200.
Seizure. Also called: Seizures. Identifiers: MedGen C0036572, HP:0001250.

gnomAD v4.1: 1 of 1,611,410 alleles (0.000062%); highest among the groups gnomAD compares: Non-Finnish European, 0.000085%; no homozygotes.

Submissions (9):

Labcorp Genetics (formerly Invitae), Labcorp
Classification: Pathogenic for Early-infantile DEE. Last evaluated: 2026-02-02. Review status: criteria provided, single submitter. Criteria: Invitae Variant Classification Sherloc (09022015). Collection method: clinical testing. Allele origin: germline.
Comment: This sequence change replaces arginine, which is basic and polar, with tryptophan, which is neutral and slightly polar, at codon 547 of the KCNQ2 protein (p.Arg547Trp). This variant is not present in population databases (gnomAD no frequency). This missense change has been observed in individuals with benign familial neonatal-infantile seizures (PMID: 23360469, 29655203; internal data). It has also been observed to segregate with disease in related individuals. ClinVar contains an entry for this variant (Variation ID: 205912). Invitae Evidence Modeling of protein sequence and biophysical properties (such as structural, functional, and spatial information, amino acid conservation, physicochemical variation, residue mobility, and thermodynamic stability) indicates that this missense variant is expected to disrupt KCNQ2 protein function with a positive predictive value of 95%. For these reasons, this variant has been classified as Pathogenic.

Cytogénomique, Hospices Civils de Lyon
Classification: Pathogenic for Seizure. Last evaluated: 2025-09-12. Review status: criteria provided, single submitter. Criteria: ACMG Guidelines, 2015. Collection method: clinical testing. Allele origin: unknown. Affected: yes.

GeneDx
Classification: Pathogenic. Last evaluated: 2024-11-06. Review status: criteria provided, single submitter. Criteria: GeneDx Variant Classification Process June 2021. Collection method: clinical testing. Allele origin: germline. Affected: yes.
Comment: Not observed at significant frequency in large population cohorts (gnomAD); In silico analysis supports that this missense variant has a deleterious effect on protein structure/function; This variant is associated with the following publications: (PMID: 28717674, 29655203, 34474328, 35401395, 29455050, 27602407, 39141400, 23360469, 37593999, 38074073)

3billion
Classification: Pathogenic for Seizures, benign familial neonatal, 1. Last evaluated: 2024-08-29. Review status: criteria provided, single submitter. Criteria: ACMG Guidelines, 2015. Collection method: clinical testing. Allele origin: germline. Affected: yes.
Comment: The variant is observed at an extremely low frequency in the gnomAD v4.0.0 dataset (total allele frequency: <0.001%). Predicted Consequence/Location: Missense variant In silico tool predictions suggest damaging effect of the variant on gene or gene product [REVEL: 0.79 (>=0.6, sensitivity 0.68 and specificity 0.92); 3Cnet: 0.99 (>=0.6, sensitivity 0.72 and precision 0.9)]. The same nucleotide change resulting in the same amino acid change has been previously reported as pathogenic/likely pathogenic with strong evidence (ClinVar ID: VCV000205912 /PMID: 23360469). The variant has been observed in at least two similarly affected unrelated individuals (PMID: 23360469, 29655203, 34474328). Different missense changes at the same codon (p.Arg547Gly, p.Arg547Leu) have been reported as pathogenic/likely pathogenic with strong evidence (ClinVar ID: VCV000226112, VCV002005878). Therefore, this variant is classified as Pathogenic according to the recommendation of ACMG/AMP guideline.

Mayo Clinic Laboratories, Mayo Clinic
Classification: Likely pathogenic. Last evaluated: 2024-08-14. Review status: criteria provided, single submitter. Criteria: ACMG Guidelines, 2015. Collection method: clinical testing. Allele origin: germline. Observed: 1 variant allele.
Comment: PP1, PP2, PP3, PM2, PS4_moderate

Blueprint Genetics
Classification: Pathogenic for KCNQ2-related disorders. Last evaluated: 2024-02-19. Review status: criteria provided, single submitter. Criteria: ACMG Guidelines, 2015. Collection method: clinical testing. Allele origin: germline. Affected: yes. Observed: 3 variant alleles.

CeGaT Center for Human Genetics Tuebingen
Classification: Pathogenic. Last evaluated: 2017-11-01. Review status: criteria provided, single submitter. Criteria: CeGaT Center For Human Genetics Tuebingen Variant Classification Criteria Version 2. Collection method: clinical testing. Allele origin: germline. Affected: yes. Observed: 2 variant alleles.

Center for Pediatric Genomic Medicine, Children's Mercy Hospital and Clinics
Classification: Likely pathogenic. Last evaluated: 2016-09-02. Review status: criteria provided, single submitter. Criteria: ACMG Guidelines, 2015. Collection method: clinical testing. Allele origin: germline.

GeneReviews
No classification provided. Condition: Seizures, benign familial neonatal, 1. Review status: no classification provided. Collection method: literature only. Allele origin: germline. Affected: yes. Not counted in ClinVar's aggregate classification.
Comment: BFNE (benign familial neonatal epilepsy)

Literature cited by the submitters: PubMed 23360469 (cited by 4 submitters); PubMed 29655203 (cited by 3 submitters); PubMed 34474328 (cited by 3billion and Mayo Clinic Laboratories, Mayo Clinic); PubMed 27564677 (cited by Mayo Clinic Laboratories, Mayo Clinic); PubMed 28717674 (cited by Mayo Clinic Laboratories, Mayo Clinic); PubMed 29455050 (cited by Mayo Clinic Laboratories, Mayo Clinic); PubMed 35401395 (cited by Mayo Clinic Laboratories, Mayo Clinic); PubMed 37593999 (cited by Mayo Clinic Laboratories, Mayo Clinic); PubMed 38074073 (cited by Mayo Clinic Laboratories, Mayo Clinic); NCBI Bookshelf NBK32534 (cited by GeneReviews).

NM_172107.4(KCNQ2):c.1639C>T (p.Arg547Trp)

Gene: KCNQ2 (potassium voltage-gated channel subfamily Q member 2; minus strand). Cytogenetic location: 20q13.33.
Variant type: single nucleotide variant.
Coding change: c.1639C>T on transcript NM_172107.4 (MANE Select); coding-DNA position 1639, C replaced by T.
Protein change: p.Arg547Trp; replaces arginine 547 with tryptophan.
Molecular consequence: missense variant.
Genome position (GRCh38, 1-based): chr20:63,413,574, G>A on the plus strand (C>T on the coding strand, the complement: KCNQ2 is on the minus strand). VCF-style: chr20-63413574-G-A. GRCh37 (hg19) VCF-style: chr20-62044927-G-A.
Other names: p.R547W:CGG>TGG; c.1555C>T, p.Arg519Trp (NM_004518.6); c.1585C>T, p.Arg529Trp (NM_172106.3); c.1546C>T, p.Arg516Trp (NM_172108.5); short protein forms R547W, R516W, R519W, R529W.
Identifiers: ClinVar variation 205912 (VCV000205912.61), dbSNP rs796052650, ClinGen allele CA315462.